The following is an entry in ClinVar:

NM_005732.4(RAD50):c.3653C>T (p.Ala1218Val)

Genes: RAD50 (RAD50 double strand break repair protein; plus strand), TH2LCRR (T helper type 2 locus control region associated RNA; minus strand), TH2-LCR (Th2 cytokine locus control region; plus strand). Cytogenetic location: 5q31.1.
Variant type: single nucleotide variant.
Coding change: c.3653C>T on transcript NM_005732.4 (MANE Select); coding-DNA position 3653, C replaced by T.
Protein change: p.Ala1218Val; replaces alanine 1218 with valine.
Molecular consequence: missense variant.
Genome position (GRCh38, 1-based): chr5:132,640,706, C>T. VCF-style: chr5-132640706-C-T. GRCh37 (hg19) VCF-style: chr5-131976398-C-T.
Other names: short protein forms A1218V.
Identifiers: ClinVar variation 2816678 (VCV002816678.3), dbSNP rs2149865605, ClinGen allele CA360933864.
Genomic context (GRCh38, chr5:132,640,706, plus strand): 5'-CTTCTCACATAGGGGCTTTTTTCCAGGTATTAGCCTCACTCATCATTCGCCTGGCCCTGG[C>T]TGAAACGTTCTGCCTCAACTGTGGCATCATTGCCTTGGATGAGCCAACAACAAATCTTGA-3'
Protein context (NP_005723.2, residues 1208-1228): LASLIIRLAL[Ala1218Val]ETFCLNCGII

ClinVar aggregate classification (germline): Uncertain significance (1 of 4 stars; one submission).

Conditions:
Hereditary cancer-predisposing syndrome. Also called: Neoplastic Syndromes, Hereditary; Tumor predisposition; Hereditary Cancer Syndrome; Hereditary neoplastic syndrome. Identifiers: Orphanet 140162, MedGen C0027672, MeSH D009386, MONDO:0015356.

Submission:

Labcorp Genetics (formerly Invitae), Labcorp
Classification: Uncertain significance for Hereditary cancer-predisposing syndrome. Last evaluated: 2022-11-25. Review status: criteria provided, single submitter. Criteria: Invitae Variant Classification Sherloc (09022015). Collection method: clinical testing. Allele origin: germline.
Comment: This sequence change replaces alanine, which is neutral and non-polar, with valine, which is neutral and non-polar, at codon 1218 of the RAD50 protein (p.Ala1218Val). This variant is not present in population databases (gnomAD no frequency). This variant has not been reported in the literature in individuals affected with RAD50-related conditions. Advanced modeling of protein sequence and biophysical properties (such as structural, functional, and spatial information, amino acid conservation, physicochemical variation, residue mobility, and thermodynamic stability) performed at Invitae indicates that this missense variant is expected to disrupt RAD50 protein function. In summary, the available evidence is currently insufficient to determine the role of this variant in disease. Therefore, it has been classified as a Variant of Uncertain Significance.